The following is an entry in ClinVar:

ClinVar aggregate classification (germline): Uncertain significance (1 of 4 stars; one submission).

Conditions:
Cardiovascular phenotype. Identifiers: MedGen CN230736.

gnomAD v4.1: 7 of 1,614,022 alleles (0.00043%); highest among the groups gnomAD compares: Non-Finnish European, 0.00059%; no homozygotes.

Submission:

Ambry Genetics
Classification: Uncertain significance for Cardiovascular phenotype. Last evaluated: 2024-11-13. Review status: criteria provided, single submitter. Criteria: Ambry Variant Classification Scheme 2023. Collection method: clinical testing. Allele origin: germline.
Comment: The p.F2890C variant (also known as c.8669T>G), located in coding exon 26 of the APOB gene, results from a T to G substitution at nucleotide position 8669. The phenylalanine at codon 2890 is replaced by cysteine, an amino acid with highly dissimilar properties. This amino acid position is conserved. In addition, this alteration is predicted to be tolerated by in silico analysis. Based on the available evidence, the clinical significance of this variant remains unclear.

NM_000384.3(APOB):c.8669T>G (p.Phe2890Cys)

Gene: APOB (apolipoprotein B; minus strand). Cytogenetic location: 2p24.1.
Variant type: single nucleotide variant.
Coding change: c.8669T>G on transcript NM_000384.3 (MANE Select); coding-DNA position 8669, T replaced by G.
Protein change: p.Phe2890Cys; replaces phenylalanine 2890 with cysteine.
Molecular consequence: missense variant.
Genome position (GRCh38, 1-based): chr2:21,008,199, A>C on the plus strand (T>G on the coding strand, the complement: APOB is on the minus strand). VCF-style: chr2-21008199-A-C. GRCh37 (hg19) VCF-style: chr2-21231071-A-C.
Other names: short protein forms F2890C.
Identifiers: ClinVar variation 3416375 (VCV003416375.1).
Genomic context (GRCh38, chr2:21,008,199, plus strand): 5'-ATCTCGTTGCGCAGGTCAGCCTGACTAGAGAAGTCCAGTTTGGGGATGTTCAATTTGTGG[A>C]AGTATTTAGTGTTGCTATCCAGGGTAAGCTGATTGTTTATCTTGACAATCACTCCATTAC-3'
Protein context (NP_000375.3, residues 2880-2900): QLTLDSNTKY[Phe2890Cys]HKLNIPKLDF